The following is an entry in ClinVar:

NM_004341.5(CAD):c.512A>G (p.Asn171Ser)

Gene: CAD (carbamoyl-phosphate synthetase 2, aspartate transcarbamylase, and dihydroorotase; plus strand). Cytogenetic location: 2p23.3.
Variant type: single nucleotide variant.
Coding change: c.512A>G on transcript NM_004341.5 (MANE Select); coding-DNA position 512, A replaced by G.
Protein change: p.Asn171Ser; replaces asparagine 171 with serine.
Molecular consequence: missense variant.
Genome position (GRCh38, 1-based): chr2:27,222,535, A>G. VCF-style: chr2-27222535-A-G. GRCh37 (hg19) VCF-style: chr2-27445403-A-G.
Other names: c.512A>G, p.Asn171Ser (NM_001306079.2); short protein forms N171S.
Identifiers: ClinVar variation 1464188 (VCV001464188.6), dbSNP rs756324912, ClinGen allele CA1572454.

ClinVar aggregate classification (germline): Uncertain significance. Review status: criteria provided, multiple submitters, no conflicts (2 of 4 stars). 2 submissions from 2 submitters: Uncertain significance (2). Last evaluated 2022-06-29.

Allele frequency attached by ClinVar (database versions not stated): ExAC 0.00001; gnomAD exomes 0.00001; gnomAD 0.00002; TOPMed 0.00002.
gnomAD v4.1: 18 of 1,614,002 alleles (0.0011%); highest among the groups gnomAD compares: East Asian, 0.0022%; no homozygotes.

Submissions (2):

Labcorp Genetics (formerly Invitae), Labcorp
Classification: Uncertain significance. Last evaluated: 2022-06-29. Review status: criteria provided, single submitter. Criteria: Invitae Variant Classification Sherloc (09022015). Collection method: clinical testing. Allele origin: germline.
Comment: This sequence change replaces asparagine, which is neutral and polar, with serine, which is neutral and polar, at codon 171 of the CAD protein (p.Asn171Ser). This variant is present in population databases (rs756324912, gnomAD 0.005%). This variant has not been reported in the literature in individuals affected with CAD-related conditions. Algorithms developed to predict the effect of missense changes on protein structure and function are either unavailable or do not agree on the potential impact of this missense change (SIFT: "Tolerated"; PolyPhen-2: "Possibly Damaging"; Align-GVGD: "Class C0"). In summary, the available evidence is currently insufficient to determine the role of this variant in disease. Therefore, it has been classified as a Variant of Uncertain Significance.

Blueprint Genetics
Classification: Uncertain significance. Last evaluated: 2020-08-30. Review status: criteria provided, single submitter. Criteria: ACMG Guidelines, 2015. Collection method: clinical testing. Allele origin: germline.